The following is an entry in ClinVar:

ClinVar aggregate classification (germline): Uncertain significance (1 of 4 stars; one submission).

Conditions:
Spastic paraplegia. Identifiers: MedGen C0037772, HP:0001258.

Allele frequency attached by ClinVar (database versions not stated): gnomAD exomes below 0.00001.
gnomAD v4.1: 1 of 1,614,050 alleles (0.000062%); highest among the groups gnomAD compares: Non-Finnish European, 0.000085%; no homozygotes.

Submission:

Labcorp Genetics (formerly Invitae), Labcorp
Classification: Uncertain significance for Spastic paraplegia. Last evaluated: 2022-03-01. Review status: criteria provided, single submitter. Criteria: Invitae Variant Classification Sherloc (09022015). Collection method: clinical testing. Allele origin: germline.
Comment: Algorithms developed to predict the effect of missense changes on protein structure and function are either unavailable or do not agree on the potential impact of this missense change (SIFT: "Deleterious"; PolyPhen-2: "Probably Damaging"; Align-GVGD: "Class C0"). In summary, the available evidence is currently insufficient to determine the role of this variant in disease. Therefore, it has been classified as a Variant of Uncertain Significance. This sequence change replaces leucine, which is neutral and non-polar, with proline, which is neutral and non-polar, at codon 556 of the ZFYVE26 protein (p.Leu556Pro). This missense change has been observed in individual(s) with clinical features of hereditary spastic paraplegia (Invitae). This variant is not present in population databases (gnomAD no frequency).

NM_015346.4(ZFYVE26):c.1667T>C (p.Leu556Pro)

Gene: ZFYVE26 (zinc finger FYVE-type containing 26; minus strand). Cytogenetic location: 14q24.1.
Variant type: single nucleotide variant.
Coding change: c.1667T>C on transcript NM_015346.4 (MANE Select); coding-DNA position 1667, T replaced by C.
Protein change: p.Leu556Pro; replaces leucine 556 with proline.
Molecular consequence: missense variant.
Genome position (GRCh38, 1-based): chr14:67,798,595, A>G on the plus strand (T>C on the coding strand, the complement: ZFYVE26 is on the minus strand). VCF-style: chr14-67798595-A-G. GRCh37 (hg19) VCF-style: chr14-68265312-A-G.
Other names: short protein forms L556P.
Identifiers: ClinVar variation 1354341 (VCV001354341.6), dbSNP rs2140243463, ClinGen allele CA390176128.